The following is an entry in ClinVar:

NM_170754.4(TNS2):c.4100G>C (p.Gly1367Ala)

Gene: TNS2 (tensin 2; plus strand). Cytogenetic location: 12q13.13.
Variant type: single nucleotide variant.
Coding change: c.4100G>C on transcript NM_170754.4 (MANE Select); coding-DNA position 4100, G replaced by C.
Protein change: p.Gly1367Ala; replaces glycine 1367 with alanine.
Molecular consequence: missense variant.
Genome position (GRCh38, 1-based): chr12:53,063,752, G>C. VCF-style: chr12-53063752-G-C. GRCh37 (hg19) VCF-style: chr12-53457536-G-C.
Other names: c.4031G>C, p.Gly1344Ala (NM_015319.3); c.3728G>C, p.Gly1243Ala (NM_198316.2); c.4100G>C, p.Gly1367Ala (NM_001416202.1); c.4058G>C, p.Gly1353Ala (NM_001416203.1); c.4127G>C, p.Gly1376Ala (NM_001416204.1); short protein forms G1243A, G1367A, G1377A, G1344A, G1353A, G1376A.
Identifiers: ClinVar variation 2179688 (VCV002179688.5), dbSNP rs199778149, ClinGen allele CA6593113.

ClinVar aggregate classification (germline): Uncertain significance. Review status: criteria provided, multiple submitters, no conflicts (2 of 4 stars). 2 submissions from 2 submitters: Uncertain significance (2). Last evaluated 2024-11-07.

Allele frequency attached by ClinVar (database versions not stated): TOPMed 0.00007; ESP Exome Variant Server 0.00008; gnomAD 0.00008; ExAC 0.00014; gnomAD exomes 0.00014; 1000 Genomes Project 0.00060; 1000 Genomes Project 30x 0.00062.
gnomAD v4.1: 210 of 1,614,130 alleles (0.013%); highest among the groups gnomAD compares: Non-Finnish European, 0.017%; no homozygotes.

Submissions (2):

Labcorp Genetics (formerly Invitae), Labcorp
Classification: Uncertain significance. Last evaluated: 2024-11-07. Review status: criteria provided, single submitter. Criteria: Invitae Variant Classification Sherloc (09022015). Collection method: clinical testing. Allele origin: germline.
Comment: This sequence change replaces glycine, which is neutral and non-polar, with alanine, which is neutral and non-polar, at codon 1377 of the TNS2 protein (p.Gly1377Ala). This variant is present in population databases (rs199778149, gnomAD 0.03%). This variant has not been reported in the literature in individuals affected with TNS2-related conditions. ClinVar contains an entry for this variant (Variation ID: 2179688). An algorithm developed to predict the effect of missense changes on protein structure and function (PolyPhen-2) suggests that this variant is likely to be disruptive. In summary, the available evidence is currently insufficient to determine the role of this variant in disease. Therefore, it has been classified as a Variant of Uncertain Significance.

Ambry Genetics
Classification: Uncertain significance. Last evaluated: 2021-10-06. Review status: criteria provided, single submitter. Criteria: Ambry Variant Classification Scheme 2023. Collection method: clinical testing. Allele origin: germline.